The following is an entry in ClinVar:

ClinVar aggregate classification (germline): Likely benign (1 of 4 stars; one submission).

Conditions:
Familial cancer of breast. Also called: Hereditary breast cancer; BREAST CANCER, FAMILIAL; hereditary breast carcinoma. Identifiers: Orphanet 227535, MedGen C0346153, MONDO:0016419, OMIM 114480. Disease mechanism: loss of function.

Submission:

Myriad Genetics, Inc.
Classification: Likely benign for Familial cancer of breast. Last evaluated: 2024-10-03. Review status: criteria provided, single submitter. Criteria: Myriad Autosomal Dominant, Autosomal Recessive and X-Linked Classification Criteria (2023). Collection method: clinical testing. Allele origin: unknown.
Comment: This variant is considered likely benign. This variant is intronic and is not expected to impact mRNA splicing.

NM_007194.4(CHEK2):c.793-20del

Gene: CHEK2 (checkpoint kinase 2; minus strand). Cytogenetic location: 22q12.1.
Variant type: Deletion.
Coding change: c.793-20del on transcript NM_007194.4 (MANE Select); 20 bases into the intron before coding-DNA position 793, one base deleted (T; older notation c.793-20delT).
Molecular consequence: intron variant.
Genome position (GRCh38, 1-based): chr22:28,710,079, A deleted on the plus strand (T on the coding strand, the reverse complement: CHEK2 is on the minus strand). VCF-style (leftmost placement, unchanged base first): chr22-28710078-CA-C. GRCh37 (hg19) VCF-style: chr22-29106066-CA-C.
Other names: c.130-20del (NM_001437942.1, NM_001257387.3); c.592-20del (NM_001349956.3); c.793-20del (NM_145862.3); c.886-20del (NM_001438295.1, NM_001438293.1); c.922-20del (NM_001438294.1, NM_001005735.3).
Identifiers: ClinVar variation 3772911 (VCV003772911.1).